The following is an entry in ClinVar:

ClinVar aggregate classification (germline): Uncertain significance (1 of 4 stars; one submission).

Conditions:
Epidermolysis bullosa simplex 5B, with muscular dystrophy (EBS5B). Also called: EPIDERMOLYSIS BULLOSA SIMPLEX AND LIMB-GIRDLE MUSCULAR DYSTROPHY; Epidermolysis bullosa simplex with muscular dystrophy. Identifiers: Orphanet 257, MedGen C2931072, MONDO:0009181, OMIM 226670.
Epidermolysis bullosa simplex 5C, with pyloric atresia (EBS5C). Also called: PLEC1-Related Epidermolysis Bullosa with Pyloric Atresia; PLEC-Related Epidermolysis Bullosa with Pyloric Atresia; Epidermolysis bullosa simplex with pyloric atresia. Identifiers: Orphanet 158684, MedGen C2677349, MONDO:0012807, OMIM 612138.
Epidermolysis bullosa simplex, Ogna type (EBS5A). Also called: Pidermolysis bullosa simplex 5A, Ogna type; EPIDERMOLYSIS BULLOSA SIMPLEX 5A, OGNA TYPE. Identifiers: Orphanet 79401, MedGen C0432317, MONDO:0007555, OMIM 131950.
Autosomal recessive limb-girdle muscular dystrophy type 2Q (LGMDR17). Also called: MUSCULAR DYSTROPHY, LIMB-GIRDLE, AUTOSOMAL RECESSIVE 17. Identifiers: Orphanet 254361, MedGen C3150989, MONDO:0013390, OMIM 613723.
Epidermolysis bullosa simplex with nail dystrophy (EBS5D). Identifiers: MedGen C4225309, MONDO:0014661, OMIM 616487.

Submission:

Labcorp Genetics (formerly Invitae), Labcorp
Classification: Uncertain significance for Autosomal recessive limb-girdle muscular dystrophy type 2Q; Epidermolysis bullosa simplex, Ogna type; Epidermolysis bullosa simplex with nail dystrophy; Epidermolysis bullosa simplex 5C, with pyloric atresia; Epidermolysis bullosa simplex 5B, with muscular dystrophy. Last evaluated: 2021-11-13. Review status: criteria provided, single submitter. Criteria: Invitae Variant Classification Sherloc (09022015). Collection method: clinical testing. Allele origin: germline.
Comment: In summary, the available evidence is currently insufficient to determine the role of this variant in disease. Therefore, it has been classified as a Variant of Uncertain Significance. Algorithms developed to predict the effect of missense changes on protein structure and function output the following: SIFT: "Tolerated"; PolyPhen-2: "Not Available"; Align-GVGD: "Class C0". The threonine amino acid residue is found in multiple mammalian species, which suggests that this missense change does not adversely affect protein function. This variant has not been reported in the literature in individuals affected with PLEC-related conditions. This variant is not present in population databases (gnomAD no frequency). This sequence change replaces alanine, which is neutral and non-polar, with threonine, which is neutral and polar, at codon 1629 of the PLEC protein (p.Ala1629Thr).

NM_201384.3(PLEC):c.4804G>A (p.Ala1602Thr)

Gene: PLEC (plectin; minus strand). Cytogenetic location: 8q24.3.
Variant type: single nucleotide variant.
Coding change: c.4804G>A on transcript NM_201384.3 (MANE Select); coding-DNA position 4804, G replaced by A.
Protein change: p.Ala1602Thr; replaces alanine 1602 with threonine.
Molecular consequence: missense variant.
Genome position (GRCh38, 1-based): chr8:143,925,125, C>T on the plus strand (G>A on the coding strand, the complement: PLEC is on the minus strand). VCF-style: chr8-143925125-C-T. GRCh37 (hg19) VCF-style: chr8-144999293-C-T.
Other names: c.4885G>A, p.Ala1629Thr (NM_000445.5); c.4762G>A, p.Ala1588Thr (NM_201378.4); c.4738G>A, p.Ala1580Thr (NM_201379.3); c.5215G>A, p.Ala1739Thr (NM_201380.4); c.4708G>A, p.Ala1570Thr (NM_201381.3); c.4804G>A, p.Ala1602Thr (NM_201382.4); c.4816G>A, p.Ala1606Thr (NM_201383.3); short protein forms A1570T, A1580T, A1606T, A1588T, A1602T, A1739T, A1629T.
Identifiers: ClinVar variation 1488675 (VCV001488675.6), dbSNP rs2131454950, ClinGen allele CA372552827.
Genomic context (GRCh38, chr8:143,925,125, plus strand): 5'-GCTCGGCCTCGGCCTGCTGCTGTGCCCGCCGCTCAGCCTCCTCCCGCAGCTGTGCCACAG[C>T]CACGTGTTCCTCCTGCAGGGAGCGCTCCAGCTGTGCCGTCTTCTCGGCGAAGGAGGCGCG-3'
Protein context (NP_958786.1, residues 1592-1612): LERSLQEEHV[Ala1602Thr]VAQLREEAER